The following is an entry in ClinVar:

ClinVar aggregate classification (germline): Uncertain significance (1 of 4 stars; one submission).

Conditions:
Fanconi anemia (FA). Also called: Fanconi's anemia. Identifiers: Orphanet 84, MedGen C0015625, MeSH D005199, MONDO:0019391.

Submission:

Labcorp Genetics (formerly Invitae), Labcorp
Classification: Uncertain significance for Fanconi anemia. Last evaluated: 2023-06-09. Review status: criteria provided, single submitter. Criteria: Invitae Variant Classification Sherloc (09022015). Collection method: clinical testing. Allele origin: germline.
Comment: In summary, the available evidence is currently insufficient to determine the role of this variant in disease. Therefore, it has been classified as a Variant of Uncertain Significance. Advanced modeling of protein sequence and biophysical properties (such as structural, functional, and spatial information, amino acid conservation, physicochemical variation, residue mobility, and thermodynamic stability) performed at Invitae indicates that this missense variant is expected to disrupt FANCA protein function. This sequence change replaces leucine, which is neutral and non-polar, with proline, which is neutral and non-polar, at codon 762 of the FANCA protein (p.Leu762Pro). This variant has not been reported in the literature in individuals affected with FANCA-related conditions. This variant is not present in population databases (gnomAD no frequency).

NM_000135.4(FANCA):c.2285T>C (p.Leu762Pro)

Gene: FANCA (FA complementation group A; minus strand). Cytogenetic location: 16q24.3.
Variant type: single nucleotide variant.
Coding change: c.2285T>C on transcript NM_000135.4 (MANE Select); coding-DNA position 2285, T replaced by C.
Protein change: p.Leu762Pro; replaces leucine 762 with proline.
Molecular consequence: missense variant.
Genome position (GRCh38, 1-based): chr16:89,770,197, A>G on the plus strand (T>C on the coding strand, the complement: FANCA is on the minus strand). VCF-style: chr16-89770197-A-G. GRCh37 (hg19) VCF-style: chr16-89836605-A-G.
Other names: c.2285T>C, p.Leu762Pro (NM_001286167.3); short protein forms L762P.
Identifiers: ClinVar variation 3014337 (VCV003014337.3), dbSNP rs1296636564, ClinGen allele CA397445137.
Genomic context (GRCh38, chr16:89,770,197, plus strand): 5'-AGGGTGGCCCCCATGAAGGAGAGCCTCACCTGGTGACGGAGCAGCTGGCAGAGCCGGGTG[A>G]GCACTGCAGGGAGCACACGTCCACACATGGTCCTCACGAAGAGGGCAGCCCAGGGACCCT-3'
Protein context (NP_000126.2, residues 752-772): TMCGRVLPAV[Leu762Pro]TRLCQLLRHQ